The following is an entry in ClinVar:

ClinVar aggregate classification (germline): Conflicting classifications of pathogenicity. Review status: criteria provided, conflicting classifications (1 of 4 stars). 3 submissions from 3 submitters: Uncertain significance (1); Likely benign (2). Last evaluated 2025-08-06.

Conditions:
MKS1-related disorder. Also called: MKS1-related condition; MKS1-related disorders. Identifiers: MedGen CN239382.
Meckel-Gruber syndrome. Also called: DYSENCEPHALIA SPLANCHNOCYSTICA; Dysencephalia splachnocystica; GRUBER SYNDROME. Identifiers: Orphanet 564, MedGen C0265215, MONDO:0018921.
Joubert syndrome. Also called: Familial aplasia of the vermis; JOUBERT-BOLTSHAUSER SYNDROME. Identifiers: Orphanet 475, MedGen C5979921, MONDO:0018772.

Allele frequency attached by ClinVar (database versions not stated): TOPMed below 0.00001; gnomAD 0.00001; gnomAD exomes 0.00001 and 0.00002; ExAC 0.00002; ESP Exome Variant Server 0.00008.
gnomAD v4.1: 16 of 1,610,992 alleles (0.00099%); highest among the groups gnomAD compares: Middle Eastern, 0.018%; no homozygotes.

Submissions (3):

Labcorp Genetics (formerly Invitae), Labcorp
Classification: Likely benign for Joubert syndrome; Meckel-Gruber syndrome. Last evaluated: 2025-08-06. Review status: criteria provided, single submitter. Criteria: Invitae Variant Classification Sherloc (09022015). Collection method: clinical testing. Allele origin: germline.

PreventionGenetics, part of Exact Sciences
Classification: Uncertain significance for MKS1-related condition. Last evaluated: 2024-12-12. Review status: criteria provided, single submitter. Criteria: ACMG Guidelines, 2015. Collection method: clinical testing. Allele origin: germline.
Comment: The MKS1 c.1591C>T variant is predicted to result in the amino acid substitution p.Leu531Phe. This variant results in a synonymous change in the primary transcript for this gene (NM_017777:c.1674C>T). To our knowledge, this variant has not been reported in the literature. This variant is reported in 0.0043% of alleles in individuals of European (Finnish) descent in gnomAD. At this time, the clinical significance of this variant is uncertain due to the absence of conclusive functional and genetic evidence.

Blueprint Genetics
Classification: Likely benign. Last evaluated: 2024-11-20. Review status: criteria provided, single submitter. Criteria: ACMG Guidelines, 2015. Collection method: clinical testing. Allele origin: germline.

NM_017777.4(MKS1):c.1674C>T (p.Val558=)

Gene: MKS1 (MKS transition zone complex subunit 1; minus strand). Cytogenetic location: 17q22.
Variant type: single nucleotide variant.
Coding change: c.1674C>T on transcript NM_017777.4 (MANE Select); coding-DNA position 1674, C replaced by T.
Protein change: p.Val558=; no amino-acid change (valine 558 retained).
Molecular consequence: synonymous variant. On other transcripts: missense variant (1), 3 prime UTR variant (1).
Genome position (GRCh38, 1-based): chr17:58,206,085, G>A on the plus strand (C>T on the coding strand, the complement: MKS1 is on the minus strand). VCF-style: chr17-58206085-G-A. GRCh37 (hg19) VCF-style: chr17-56283446-G-A.
Other names: c.1065C>T, p.Val355= (NM_001321268.2); c.1591C>T, p.Leu531Phe (NM_001321269.2); c.*86C>T (NM_001330397.2); c.1591C>T (NM_001321269.1); short protein forms L531F.
Identifiers: ClinVar variation 1131427 (VCV001131427.11), dbSNP rs376925280, ClinGen allele CA8669046.
Genomic context (GRCh38, chr17:58,206,085, plus strand): 5'-CCTCAGATATCCCCCATCTTGTCCTCTTGCACTGTGGGCCAGGGCTGCTGTGAGCTAGGA[G>A]ACCAGGGTTCCAGAGGGGCTCACTAGGTCCTGCGGGAGGCTTTCCCGGGCCTCCTGCATG-3'
Protein context (NP_060247.2, residues 548-559): QDLVSPSGTL[Val558=]S